The following is an entry in ClinVar:

NM_004153.4(ORC1):c.1196G>A (p.Gly399Asp)

Gene: ORC1 (origin recognition complex subunit 1; minus strand). Cytogenetic location: 1p32.3.
Variant type: single nucleotide variant.
Coding change: c.1196G>A on transcript NM_004153.4 (MANE Select); coding-DNA position 1196, G replaced by A.
Protein change: p.Gly399Asp; replaces glycine 399 with aspartic acid.
Molecular consequence: missense variant.
Genome position (GRCh38, 1-based): chr1:52,388,629, C>T on the plus strand (G>A on the coding strand, the complement: ORC1 is on the minus strand). VCF-style: chr1-52388629-C-T. GRCh37 (hg19) VCF-style: chr1-52854301-C-T.
Other names: c.1196G>A, p.Gly399Asp (NM_001190818.2, NM_001190819.2); short protein forms G399D.
Identifiers: ClinVar variation 876822 (VCV000876822.11), dbSNP rs201805499, ClinGen allele CA853398.

ClinVar aggregate classification (germline): Uncertain significance. Review status: criteria provided, multiple submitters, no conflicts (2 of 4 stars). 3 submissions from 3 submitters: Uncertain significance (3). Last evaluated 2023-09-22.

Conditions:
Inborn genetic diseases. Identifiers: MedGen C0950123, MeSH D030342.
Meier-Gorlin syndrome 1 (MGORS1). Also called: EAR, PATELLA, SHORT STATURE SYNDROME. Identifiers: Orphanet 2554, MedGen C4552001, MONDO:0009143, OMIM 224690.

Allele frequency attached by ClinVar (database versions not stated): ExAC 0.00002; gnomAD 0.00006 and 0.00007; TOPMed 0.00007; gnomAD exomes 0.00008; ESP Exome Variant Server 0.00015.

Submissions (3):

Ambry Genetics
Classification: Uncertain significance for Inborn genetic diseases. Last evaluated: 2023-09-22. Review status: criteria provided, single submitter. Criteria: Ambry Variant Classification Scheme 2023. Collection method: clinical testing. Allele origin: germline.

Labcorp Genetics (formerly Invitae), Labcorp
Classification: Uncertain significance. Last evaluated: 2022-08-06. Review status: criteria provided, single submitter. Criteria: Invitae Variant Classification Sherloc (09022015). Collection method: clinical testing. Allele origin: germline.
Comment: This sequence change replaces glycine, which is neutral and non-polar, with aspartic acid, which is acidic and polar, at codon 399 of the ORC1 protein (p.Gly399Asp). This variant is present in population databases (rs201805499, gnomAD 0.1%). This variant has not been reported in the literature in individuals affected with ORC1-related conditions. ClinVar contains an entry for this variant (Variation ID: 876822). Algorithms developed to predict the effect of missense changes on protein structure and function output the following: SIFT: "Tolerated"; PolyPhen-2: "Benign"; Align-GVGD: "Class C0". The aspartic acid amino acid residue is found in multiple mammalian species, which suggests that this missense change does not adversely affect protein function. In summary, the available evidence is currently insufficient to determine the role of this variant in disease. Therefore, it has been classified as a Variant of Uncertain Significance.

Illumina Laboratory Services, Illumina
Classification: Uncertain significance for Meier-Gorlin syndrome 1. Last evaluated: 2018-01-13. Review status: criteria provided, single submitter. Criteria: ICSL Variant Classification Criteria 13 December 2019. Collection method: clinical testing. Allele origin: germline.